The following is an entry in ClinVar:

NM_003835.4(RGS9):c.432C>T (p.Tyr144=)

Gene: RGS9 (regulator of G protein signaling 9; plus strand). Cytogenetic location: 17q24.1.
Variant type: single nucleotide variant.
Coding change: c.432C>T on transcript NM_003835.4 (MANE Select); coding-DNA position 432, C replaced by T.
Protein change: p.Tyr144=; no amino-acid change (tyrosine 144 retained).
Molecular consequence: synonymous variant.
Genome position (GRCh38, 1-based): chr17:65,163,021, C>T. VCF-style: chr17-65163021-C-T. GRCh37 (hg19) VCF-style: chr17-63159139-C-T.
Other names: c.432C>T, p.Tyr144= (NM_001081955.3, NM_001165933.2); c.432C>T (NM_003835.3).
Identifiers: ClinVar variation 1586979 (VCV001586979.11), dbSNP rs775057780, ClinGen allele CA8717672.
Genomic context (GRCh38, chr17:65,163,021, plus strand): 5'-ACATGGCATATGTCTTGGGGCTTTCTGTTCTCATTTTGTTTTTCTTCTTTAGGAAAATTA[C>T]AATTTCTTGAACCAAAAAATGAACTATAAGTGGGACTTTGTCATTATGCAGGCCAAAGAG-3'
Protein context (NP_003826.2, residues 134-154): GILEEYEKEN[Tyr144=]NFLNQKMNYK

ClinVar aggregate classification (germline): Likely benign. Review status: criteria provided, multiple submitters, no conflicts (2 of 4 stars). 3 submissions from 3 submitters: Likely benign (2). 1 of the submissions does not count toward it. Last evaluated 2026-01-11.

Conditions:
RGS9-related disorder. Also called: RGS9-related condition.

Allele frequency attached by ClinVar (database versions not stated): gnomAD 0.00005 and 0.00006; TOPMed 0.00005; gnomAD exomes 0.00007; ExAC 0.00012.
gnomAD v4.1: 112 of 1,569,040 alleles (0.0071%); highest among the groups gnomAD compares: Non-Finnish European, 0.0092%; no homozygotes.

Submissions (3):

Labcorp Genetics (formerly Invitae), Labcorp
Classification: Likely benign. Last evaluated: 2026-01-11. Review status: criteria provided, single submitter. Criteria: Invitae Variant Classification Sherloc (09022015). Collection method: clinical testing. Allele origin: germline.

Blueprint Genetics
Classification: Likely benign. Last evaluated: 2024-06-14. Review status: criteria provided, single submitter. Criteria: ACMG Guidelines, 2015. Collection method: clinical testing. Allele origin: germline.

PreventionGenetics, part of Exact Sciences
Classification: Likely benign for RGS9-related condition. Last evaluated: 2020-07-30. Review status: no assertion criteria provided. Collection method: clinical testing. Allele origin: germline. Not counted in ClinVar's aggregate classification.
Comment: This variant is classified as likely benign based on ACMG/AMP sequence variant interpretation guidelines (Richards et al. 2015 PMID: 25741868, with internal and published modifications).